The following is an entry in ClinVar:

NM_001163278.2(TENM1):c.1015+10T>C

Gene: TENM1 (teneurin transmembrane protein 1; minus strand). Cytogenetic location: Xq25.
Variant type: single nucleotide variant.
Coding change: c.1015+10T>C on transcript NM_001163278.2 (MANE Select); 10 bases into the intron after coding-DNA position 1015, T replaced by C.
Molecular consequence: intron variant.
Genome position (GRCh38, 1-based): chrX:124,705,003, A>G on the plus strand (T>C on the coding strand, the complement: TENM1 is on the minus strand). VCF-style: chrX-124705003-A-G. GRCh37 (hg19) VCF-style: chrX-123838853-A-G.
Other names: c.1015+10T>C (NM_001163279.1, NM_014253.3).
Identifiers: ClinVar variation 3044855 (VCV003044855.2), dbSNP rs140984032, ClinGen allele CA10510365.
Genomic context (GRCh38, chrX:124,705,003, plus strand): 5'-CCCATTCCCACCACAAGCAAAACAAGACTTTGATTAAGAACAAAACTGAGGCATGACAAA[A>G]AGGACTTACCAATCACATAGGCTAGTAACAAGGCCAAAGTCACTGTGATTGCAGTGGCGC-3'

ClinVar aggregate classification (germline): Benign (0 of 4 stars; one submission).

Conditions:
TENM1-related disorder. Also called: TENM1-related condition.

Allele frequency attached by ClinVar (database versions not stated): 1000 Genomes Project 0.01298; gnomAD 0.01389; 1000 Genomes Project 30x 0.01394; TOPMed 0.01594; ESP Exome Variant Server 0.01647; gnomAD exomes 0.00145; ExAC 0.00502.
gnomAD v4.1: 3,191 of 1,177,052 alleles (0.27%); highest among the groups gnomAD compares: African/African-American, 4.9%; 60 homozygotes.

Submission:

PreventionGenetics, part of Exact Sciences
Classification: Benign for TENM1-related condition. Last evaluated: 2019-08-20. Review status: no assertion criteria provided. Collection method: clinical testing. Allele origin: germline.
Comment: This variant is classified as benign based on ACMG/AMP sequence variant interpretation guidelines (Richards et al. 2015 PMID: 25741868, with internal and published modifications).